The following is an entry in ClinVar:

NM_001378615.1(CC2D2A):c.1451del (p.Tyr484fs)

Genes: CC2D2A (coiled-coil and C2 domain containing 2A; plus strand), FBXL5 (F-box and leucine rich repeat protein 5; minus strand). Cytogenetic location: 4p15.32.
Variant type: Deletion.
Coding change: c.1451del on transcript NM_001378615.1 (MANE Select); coding-DNA position 1451, one base deleted (A; older notation c.1451delA).
Protein change: p.Tyr484fs; shifts the reading frame from tyrosine 484.
Molecular consequence: frameshift variant.
Genome position (GRCh38, 1-based): chr4:15,528,711, A deleted. VCF-style (leftmost placement, unchanged base first): chr4-15528710-TA-T. GRCh37 (hg19) VCF-style: chr4-15530333-TA-T.
Other names: c.1451del, p.Tyr484fs (NM_001080522.2); c.1304del, p.Tyr435fs (NM_001378617.1); short protein forms Y435fs, Y484fs.
Identifiers: ClinVar variation 4785130 (VCV004785130.1).

ClinVar aggregate classification (germline): Pathogenic (1 of 4 stars; one submission).

Conditions:
Joubert syndrome. Also called: JOUBERT-BOLTSHAUSER SYNDROME; Familial aplasia of the vermis. Identifiers: Orphanet 475, MedGen C5979921, MONDO:0018772.
Meckel-Gruber syndrome. Also called: DYSENCEPHALIA SPLANCHNOCYSTICA; GRUBER SYNDROME; Dysencephalia splachnocystica. Identifiers: Orphanet 564, MedGen C0265215, MONDO:0018921.

Submission:

Labcorp Genetics (formerly Invitae), Labcorp
Classification: Pathogenic for Joubert syndrome; Meckel-Gruber syndrome. Last evaluated: 2025-05-27. Review status: criteria provided, single submitter. Criteria: Invitae Variant Classification Sherloc (09022015). Collection method: clinical testing. Allele origin: germline.
Comment: This sequence change creates a premature translational stop signal (p.Tyr484Leufs*27) in the CC2D2A gene. It is expected to result in an absent or disrupted protein product. Loss-of-function variants in CC2D2A are known to be pathogenic (PMID: 19777577). This variant is not present in population databases (gnomAD no frequency). This variant has not been reported in the literature in individuals affected with CC2D2A-related conditions. For these reasons, this variant has been classified as Pathogenic.

Literature cited by the submitters: PubMed 19777577.